The following is an entry in ClinVar:

NM_001112741.2(KCNC1):c.1168G>T (p.Gly390Cys)

Gene: KCNC1 (potassium voltage-gated channel subfamily C member 1; plus strand). Cytogenetic location: 11p15.1.
Variant type: single nucleotide variant.
Coding change: c.1168G>T on transcript NM_001112741.2 (MANE Select); coding-DNA position 1168, G replaced by T.
Protein change: p.Gly390Cys; replaces glycine 390 with cysteine.
Molecular consequence: missense variant.
Genome position (GRCh38, 1-based): chr11:17,772,262, G>T. VCF-style: chr11-17772262-G-T. GRCh37 (hg19) VCF-style: chr11-17793809-G-T.
Other names: c.1168G>T, p.Gly390Cys (NM_004976.4); short protein forms G390C.
Identifiers: ClinVar variation 2580835 (VCV002580835.1), dbSNP rs1849238342, ClinGen allele CA379808470.

ClinVar aggregate classification (germline): Uncertain significance (1 of 4 stars; one submission).

Submission:

GeneDx
Classification: Uncertain significance. Last evaluated: 2023-03-07. Review status: criteria provided, single submitter. Criteria: GeneDx Variant Classification Process June 2021. Collection method: clinical testing. Allele origin: germline. Affected: yes.
Comment: Not observed at significant frequency in large population cohorts (gnomAD); In silico analysis supports that this missense variant has a deleterious effect on protein structure/function; Has not been previously published as pathogenic or benign to our knowledge